The following is an entry in ClinVar:

NM_000540.3(RYR1):c.13746+1G>A

Gene: RYR1 (ryanodine receptor 1; plus strand). Cytogenetic location: 19q13.2.
Variant type: single nucleotide variant.
Coding change: c.13746+1G>A on transcript NM_000540.3 (MANE Select); the canonical splice donor site of the intron after coding-DNA position 13746, G replaced by A.
Molecular consequence: splice donor variant.
Genome position (GRCh38, 1-based): chr19:38,570,694, G>A. VCF-style: chr19-38570694-G-A. GRCh37 (hg19) VCF-style: chr19-39061334-G-A.
Other names: c.13731+1G>A (NM_001042723.2).
Identifiers: ClinVar variation 5018604 (VCV005018604.1).
Genomic context (GRCh38, chr19:38,570,694, plus strand): 5'-CTGCGGTTCCTTGCCCTCTTCTTGGCATTTGCCATCAACTTCATCTTGCTGTTTTATAAG[G>A]TGCTGGTCCTGAAGGGCTGGGAGGGTCAGGCCCTTTTCCATGCTGTGGGATGGGAGGCTC-3'

ClinVar aggregate classification (germline): Uncertain significance (1 of 4 stars; one submission).

Conditions:
Malignant hyperthermia, susceptibility to, 1 (MHS1). Also called: Anesthesia related hyperthermia; Malignant hyperpyrexia; Fulminating hyperpyrexia; Pharmacogenic myopathy; RYR1-Related Malignant Hyperthermia Susceptibility; Malignant hyperthermia suceptibility 1. Identifiers: Orphanet 423, MedGen C2930980, MONDO:0007783, OMIM 145600.
Central core myopathy (CMYO1A). Also called: CONGENITAL MYOPATHY 1A, AUTOSOMAL DOMINANT, WITH SUSCEPTIBILITY TO MALIGNANT HYPERTHERMIA; Central core disease; Myopathy, central fibrillar. Identifiers: Orphanet 597, MedGen C5830701, MONDO:0007294, OMIM 117000.
Congenital multicore myopathy with external ophthalmoplegia (CMYO1B). Also called: MULTICORE MYOPATHY; Minicore myopathy with external ophthalmoplegia; MULTIMINICORE DISEASE WITH EXTERNAL OPHTHALMOPLEGIA; Congenital myopathy 1B, autosomal recessive; Minicore myopathy. Identifiers: Orphanet 598, Orphanet 98905, MedGen C1850674, MONDO:0009712, OMIM 255320, HP:0003789.
King Denborough syndrome (KDS). Identifiers: MedGen C1840365, MONDO:0020485, OMIM 619542.

gnomAD v4.1: 2 of 1,613,104 alleles (0.00012%); highest among the groups gnomAD compares: Non-Finnish European, 0.00017%; no homozygotes.

Submission:

Juno Genomics, Hangzhou Juno Genomics, Inc
Classification: Uncertain significance for Congenital multicore myopathy with external ophthalmoplegia; Central core myopathy; Malignant hyperthermia, susceptibility to, 1; King Denborough syndrome. Review status: criteria provided, single submitter. Criteria: ACMG Guidelines, 2015. Collection method: clinical testing. Allele origin: germline. Affected: yes.
Comment: Absent from controls (or at extremely low frequency if recessive) in Genome Aggregation Database.;Null variant in a gene where loss of function (LOF) is a known mechanism of disease.